The following is an entry in ClinVar:

ClinVar aggregate classification (germline): Uncertain significance. Review status: criteria provided, multiple submitters, no conflicts (2 of 4 stars). 2 submissions from 2 submitters: Uncertain significance (2). Last evaluated 2025-04-24.

Conditions:
PCNT-related disorder. Also called: PCNT-related condition.

Submissions (2):

PreventionGenetics, part of Exact Sciences
Classification: Uncertain significance for PCNT-related condition. Last evaluated: 2025-04-24. Review status: criteria provided, single submitter. Criteria: ACMG Guidelines, 2015. Collection method: clinical testing. Allele origin: germline.
Comment: The PCNT c.7460T>G variant is predicted to result in the amino acid substitution p.Leu2487Arg. To our knowledge, this variant has not been reported in the literature or in a large population database (gnomAD), indicating it is rare. A different missense substitution, affecting the same amino acid (p.Leu2487Val), has been reported in the compound heterozygous state in an individual with skeletal dysplasia (Kamil and Yoo. 2021. PubMed ID: 34217350). At this time, the clinical significance of the c.7460T>G (p.Leu2487Arg) variant is uncertain due to the absence of conclusive functional and genetic evidence.

Labcorp Genetics (formerly Invitae), Labcorp
Classification: Uncertain significance. Last evaluated: 2022-04-30. Review status: criteria provided, single submitter. Criteria: Invitae Variant Classification Sherloc (09022015). Collection method: clinical testing. Allele origin: germline.
Comment: This sequence change replaces leucine, which is neutral and non-polar, with arginine, which is basic and polar, at codon 2487 of the PCNT protein (p.Leu2487Arg). This variant is not present in population databases (gnomAD no frequency). This variant has not been reported in the literature in individuals affected with PCNT-related conditions. Algorithms developed to predict the effect of missense changes on protein structure and function are either unavailable or do not agree on the potential impact of this missense change (SIFT: "Deleterious"; PolyPhen-2: "Benign"; Align-GVGD: "Class C0"). In summary, the available evidence is currently insufficient to determine the role of this variant in disease. Therefore, it has been classified as a Variant of Uncertain Significance.

NM_006031.6(PCNT):c.7460T>G (p.Leu2487Arg)

Gene: PCNT (pericentrin; plus strand). Cytogenetic location: 21q22.3.
Variant type: single nucleotide variant.
Coding change: c.7460T>G on transcript NM_006031.6 (MANE Select); coding-DNA position 7460, T replaced by G.
Protein change: p.Leu2487Arg; replaces leucine 2487 with arginine.
Molecular consequence: missense variant.
Genome position (GRCh38, 1-based): chr21:46,427,761, T>G. VCF-style: chr21-46427761-T-G. GRCh37 (hg19) VCF-style: chr21-47847675-T-G.
Other names: c.7460T>G (NM_006031.5); c.7106T>G, p.Leu2369Arg (NM_001315529.2); short protein forms L2369R, L2487R.
Identifiers: ClinVar variation 1972194 (VCV001972194.3), dbSNP rs2087569960, ClinGen allele CA410568969.
Genomic context (GRCh38, chr21:46,427,761, plus strand): 5'-TGCAGGGGGTTGAGCTGCAGCCCCGACTCAGTGGCTCAGATCTGGGGGGTCACAGCTCCC[T>G]GCTCGAAAGGCTGGAGAAGATCATCCGTGAGCAGGTGAGTGTCAGCTCTGCCACCAGGCC-3'
Protein context (NP_006022.3, residues 2477-2497): SGSDLGGHSS[Leu2487Arg]LERLEKIIRE